The following is an entry in ClinVar:

NM_024596.5(MCPH1):c.2427G>T (p.Lys809Asn)

Genes: MCPH1 (microcephalin 1; plus strand), MCPH1-AS1 (MCPH1 antisense RNA 1; minus strand). Cytogenetic location: 8p23.1.
Variant type: single nucleotide variant.
Coding change: c.2427G>T on transcript NM_024596.5 (MANE Select); coding-DNA position 2427, G replaced by T.
Protein change: p.Lys809Asn; replaces lysine 809 with asparagine.
Molecular consequence: missense variant.
Genome position (GRCh38, 1-based): chr8:6,621,666, G>T. VCF-style: chr8-6621666-G-T. GRCh37 (hg19) VCF-style: chr8-6479187-G-T.
Other names: c.2427G>T, p.Lys809Asn (NM_001322042.2, NM_001363979.1); c.2148G>T, p.Lys716Asn (NM_001363980.2); short protein forms K716N, K809N.
Identifiers: ClinVar variation 1307651 (VCV001307651.2), dbSNP rs756558938, ClinGen allele CA4611532.

ClinVar aggregate classification (germline): Uncertain significance (1 of 4 stars; one submission).

gnomAD v4.1: 11 of 1,614,108 alleles (0.00068%); highest among the groups gnomAD compares: East Asian, 0.0022%; no homozygotes.

Submission:

GeneDx
Classification: Uncertain significance. Last evaluated: 2019-08-14. Review status: criteria provided, single submitter. Criteria: GeneDx Variant Classification Process June 2021. Collection method: clinical testing. Allele origin: germline. Affected: yes.
Comment: Not observed at a significant frequency in large population cohorts (Lek et al., 2016); In silico analysis, which includes protein predictors and evolutionary conservation, supports that this variant does not alter protein structure/function; Has not been previously published as pathogenic or benign to our knowledge